The following is an entry in ClinVar:

ClinVar aggregate classification (germline): Uncertain significance (1 of 4 stars; one submission).

gnomAD v4.1: 122 of 1,611,346 alleles (0.0076%); highest among the groups gnomAD compares: Middle Eastern, 0.2%; no homozygotes.

Submission:

Labcorp Genetics (formerly Invitae), Labcorp
Classification: Uncertain significance. Last evaluated: 2024-02-15. Review status: criteria provided, single submitter. Criteria: Invitae Variant Classification Sherloc (09022015). Collection method: clinical testing. Allele origin: germline.
Comment: This sequence change replaces arginine, which is basic and polar, with glutamine, which is neutral and polar, at codon 1123 of the SIPA1L3 protein (p.Arg1123Gln). This variant is present in population databases (rs199893062, gnomAD 0.03%). This variant has not been reported in the literature in individuals affected with SIPA1L3-related conditions. An algorithm developed to predict the effect of missense changes on protein structure and function (PolyPhen-2) suggests that this variant is likely to be disruptive. In summary, the available evidence is currently insufficient to determine the role of this variant in disease. Therefore, it has been classified as a Variant of Uncertain Significance.

NM_015073.3(SIPA1L3):c.3368G>A (p.Arg1123Gln)

Gene: SIPA1L3 (signal induced proliferation associated 1 like 3; plus strand). Cytogenetic location: 19q13.13.
Variant type: single nucleotide variant.
Coding change: c.3368G>A on transcript NM_015073.3 (MANE Select); coding-DNA position 3368, G replaced by A.
Protein change: p.Arg1123Gln; replaces arginine 1123 with glutamine.
Molecular consequence: missense variant.
Genome position (GRCh38, 1-based): chr19:38,141,408, G>A. VCF-style: chr19-38141408-G-A. GRCh37 (hg19) VCF-style: chr19-38632048-G-A.
Other names: short protein forms R1123Q.
Identifiers: ClinVar variation 3708527 (VCV003708527.2).